The following is an entry in ClinVar:

ClinVar aggregate classification (germline): Uncertain significance. Review status: criteria provided, multiple submitters, no conflicts (2 of 4 stars). 6 submissions from 6 submitters: Uncertain significance (6). Last evaluated 2024-08-07.

Conditions:
Cardiovascular phenotype. Identifiers: MedGen CN230736.
Dilated cardiomyopathy 1P (CMD1P). Identifiers: Orphanet 154, MedGen C1835928, MONDO:0012362, OMIM 609909.
Hypertrophic cardiomyopathy 18. Identifiers: MedGen C3151265, MONDO:0013475, OMIM 613874.
Cardiomyopathy (CMYO). Also called: Cardiomyopathies. Identifiers: Orphanet 167848, MedGen C0878544, MONDO:0004994, HP:0001638. Inheritance: Various modes of inheritance.

Allele frequency attached by ClinVar (database versions not stated): gnomAD exomes 0.00001 and 0.00002; ExAC 0.00002; TOPMed 0.00002; gnomAD 0.00004 and 0.00005.
gnomAD v4.1: 44 of 1,611,300 alleles (0.0027%); highest among the groups gnomAD compares: Non-Finnish European, 0.0031%; no homozygotes.

Submissions (6):

Labcorp Genetics (formerly Invitae), Labcorp
Classification: Uncertain significance for Dilated cardiomyopathy 1P. Last evaluated: 2024-08-07. Review status: criteria provided, single submitter. Criteria: Invitae Variant Classification Sherloc (09022015). Collection method: clinical testing. Allele origin: germline.
Comment: This sequence change replaces valine, which is neutral and non-polar, with methionine, which is neutral and non-polar, at codon 49 of the PLN protein (p.Val49Met). This variant is present in population databases (rs749962743, gnomAD 0.006%). This missense change has been observed in individual(s) with hypertrophic cardiomyopathy (PMID: 26573135). ClinVar contains an entry for this variant (Variation ID: 202036). An algorithm developed to predict the effect of missense changes on protein structure and function (PolyPhen-2) suggests that this variant is likely to be disruptive. In summary, the available evidence is currently insufficient to determine the role of this variant in disease. Therefore, it has been classified as a Variant of Uncertain Significance.

Ambry Genetics
Classification: Uncertain significance for Cardiovascular phenotype. Last evaluated: 2023-01-06. Review status: criteria provided, single submitter. Criteria: Ambry Variant Classification Scheme 2023. Collection method: clinical testing. Allele origin: germline.
Comment: The p.V49M variant (also known as c.145G>A), located in coding exon 1 of the PLN gene, results from a G to A substitution at nucleotide position 145. The valine at codon 49 is replaced by methionine, an amino acid with highly similar properties. This alteration has been reported in a hypertrophic cardiomyopathy (HCM) cohort; however, clinical details were limited and additional alterations in other cardiac-related genes were identified (Xu J et al. Sci Rep, 2015 Nov;5:16609). This amino acid position is highly conserved in available vertebrate species. In addition, this alteration is predicted to be deleterious by in silico analysis. Since supporting evidence is limited at this time, the clinical significance of this alteration remains unclear.

AiLife Diagnostics
Classification: Uncertain significance. Last evaluated: 2022-02-17. Review status: criteria provided, single submitter. Criteria: ACMG Guidelines, 2015. Collection method: clinical testing. Allele origin: germline. Affected: yes. Observed: 1 variant allele.

Fulgent Genetics
Classification: Uncertain significance for Dilated cardiomyopathy 1P; Hypertrophic cardiomyopathy 18. Last evaluated: 2021-08-05. Review status: criteria provided, single submitter. Criteria: ACMG Guidelines, 2015. Collection method: clinical testing. Allele origin: unknown.

GeneDx
Classification: Uncertain significance. Last evaluated: 2019-09-04. Review status: criteria provided, single submitter. Criteria: GeneDx Variant Classification Process June 2021. Collection method: clinical testing. Allele origin: germline. Affected: yes.
Comment: Reported in association with sporadic HCM (Xu et al., 2015); Not observed at a significant frequency in large population cohorts (Lek et al., 2016); In silico analysis, which includes protein predictors and evolutionary conservation, supports that this variant does not alter protein structure/function; This variant is associated with the following publications: (PMID: 26573135)

CHEO Genetics Diagnostic Laboratory, Children's Hospital of Eastern Ontario
Classification: Uncertain significance for Cardiomyopathy. Last evaluated: 2019-06-14. Review status: criteria provided, single submitter. Criteria: ACMG Guidelines, 2015. Collection method: clinical testing. Allele origin: germline.

Literature cited by the submitters: PubMed 26573135 (cited by 3 submitters).

NM_002667.5(PLN):c.145G>A (p.Val49Met)

Genes: PLN (phospholamban; plus strand), CEP85L (centrosomal protein 85L; minus strand). Cytogenetic location: 6q22.31.
Variant type: single nucleotide variant.
Coding change: c.145G>A on transcript NM_002667.5 (MANE Select); coding-DNA position 145, G replaced by A.
Protein change: p.Val49Met; replaces valine 49 with methionine.
Molecular consequence: missense variant. On other transcripts: intron variant (3).
Genome position (GRCh38, 1-based): chr6:118,559,066, G>A. VCF-style: chr6-118559066-G-A. GRCh37 (hg19) VCF-style: chr6-118880229-G-A.
Other names: p.V49M:GTG>ATG; c.1029+6463C>T (NM_001178035.2); c.1020+6463C>T (NM_001042475.3, NM_206921.3); short protein forms V49M.
Identifiers: ClinVar variation 202036 (VCV000202036.13), dbSNP rs749962743, ClinGen allele CA335494.
Genomic context (GRCh38, chr6:118,559,066, plus strand): 5'-CAGAATCTATTTATCAATTTCTGTCTCATCTTAATATGTCTCTTGCTGATCTGTATCATC[G>A]TGATGCTTCTCTGAAGTTCTGCTACAACCTCTAGATCTGCAGCTTGCCACATCAGCTTAA-3'
Protein context (NP_002658.1, residues 39-52): LICLLLICII[Val49Met]MLL